The following is an entry in ClinVar:

ClinVar aggregate classification (germline): Uncertain significance (1 of 4 stars; one submission).

Conditions:
Hereditary cancer-predisposing syndrome. Also called: Tumor predisposition; Neoplastic Syndromes, Hereditary; Hereditary Cancer Syndrome; Hereditary neoplastic syndrome. Identifiers: Orphanet 140162, MedGen C0027672, MeSH D009386, MONDO:0015356.

Submission:

Ambry Genetics
Classification: Uncertain significance for Hereditary cancer-predisposing syndrome. Last evaluated: 2025-01-13. Review status: criteria provided, single submitter. Criteria: Ambry Variant Classification Scheme 2023. Collection method: clinical testing. Allele origin: germline.
Comment: The p.K420M variant (also known as c.1259A>T), located in coding exon 11 of the MRE11A gene, results from an A to T substitution at nucleotide position 1259. The lysine at codon 420 is replaced by methionine, an amino acid with similar properties. This amino acid position is conserved. In addition, this alteration is predicted to be tolerated by in silico analysis. Based on the available evidence, the clinical significance of this variant remains unclear.

NM_005591.4(MRE11):c.1259A>T (p.Lys420Met)

Gene: MRE11 (MRE11 double strand break repair nuclease; minus strand). Cytogenetic location: 11q21.
Variant type: single nucleotide variant.
Coding change: c.1259A>T on transcript NM_005591.4 (MANE Select); coding-DNA position 1259, A replaced by T.
Protein change: p.Lys420Met; replaces lysine 420 with methionine.
Molecular consequence: missense variant.
Genome position (GRCh38, 1-based): chr11:94,461,003, T>A on the plus strand (A>T on the coding strand, the complement: MRE11 is on the minus strand). VCF-style: chr11-94461003-T-A. GRCh37 (hg19) VCF-style: chr11-94194169-T-A.
Other names: c.1259A>T, p.Lys420Met (NM_001330347.2, NM_005590.4); short protein forms K420M.
Identifiers: ClinVar variation 3874324 (VCV003874324.1).
Genomic context (GRCh38, chr11:94,461,003, plus strand): 5'-GCGGTTTGAAAGTACTGTTTTACAAGATCTTCTACCCTTAAAGTTGTTCCTTCTGAAGGC[T>A]TTGTGATAAGTTTCCCAAAGTTGATCTCTTCTCCTAGAAAAAAAGAAGTATATCAAAAAA-3'
Protein context (NP_005582.1, residues 410-430): EEINFGKLIT[Lys420Met]PSEGTTLRVE